The following is an entry in ClinVar:

ClinVar aggregate classification (germline): Uncertain significance (1 of 4 stars; one submission).

Conditions:
Epileptic encephalopathy. Identifiers: MedGen C0543888, HP:0200134.

Allele frequency attached by ClinVar (database versions not stated): gnomAD 0.00001; gnomAD exomes 0.00001 and 0.00002; ExAC 0.00003.
gnomAD v4.1: 20 of 1,612,186 alleles (0.0012%); highest among the groups gnomAD compares: South Asian, 0.019%; no homozygotes.

Submission:

Labcorp Genetics (formerly Invitae), Labcorp
Classification: Uncertain significance for Epileptic encephalopathy. Last evaluated: 2021-03-17. Review status: criteria provided, single submitter. Criteria: Invitae Variant Classification Sherloc (09022015). Collection method: clinical testing. Allele origin: germline.
Comment: This variant is present in population databases (rs778170635, ExAC 0.02%). This variant has not been reported in the literature in individuals with FASN-related conditions. Algorithms developed to predict the effect of missense changes on protein structure and function are either unavailable or do not agree on the potential impact of this missense change (SIFT: "Deleterious"; PolyPhen-2: "Probably Damaging"; Align-GVGD: "Class C0"). In summary, the available evidence is currently insufficient to determine the role of this variant in disease. Therefore, it has been classified as a Variant of Uncertain Significance. This sequence change replaces asparagine with histidine at codon 96 of the FASN protein (p.Asn96His). The asparagine residue is highly conserved and there is a small physicochemical difference between asparagine and histidine.

NM_004104.5(FASN):c.286A>C (p.Asn96His)

Gene: FASN (fatty acid synthase; minus strand). Cytogenetic location: 17q25.3.
Variant type: single nucleotide variant.
Coding change: c.286A>C on transcript NM_004104.5 (MANE Select); coding-DNA position 286, A replaced by C.
Protein change: p.Asn96His; replaces asparagine 96 with histidine.
Molecular consequence: missense variant.
Genome position (GRCh38, 1-based): chr17:82,093,766, T>G on the plus strand (A>C on the coding strand, the complement: FASN is on the minus strand). VCF-style: chr17-82093766-T-G. GRCh37 (hg19) VCF-style: chr17-80051642-T-G.
Other names: short protein forms N96H.
Identifiers: ClinVar variation 1346403 (VCV001346403.8), dbSNP rs778170635, ClinGen allele CA8853572.